The following is an entry in ClinVar:

ClinVar aggregate classification (germline): Uncertain significance (1 of 4 stars; one submission).

Conditions:
Dilated cardiomyopathy 1JJ (CMD1JJ). Identifiers: Orphanet 154, MedGen C3808935, MONDO:0014095, OMIM 615235.

Allele frequency attached by ClinVar (database versions not stated): gnomAD 0.00001.
gnomAD v4.1: 1 of 1,613,818 alleles (0.000062%); highest among the groups gnomAD compares: Admixed American, 0.0017%; no homozygotes.

Submission:

Labcorp Genetics (formerly Invitae), Labcorp
Classification: Uncertain significance for Dilated cardiomyopathy 1JJ. Last evaluated: 2024-01-09. Review status: criteria provided, single submitter. Criteria: Invitae Variant Classification Sherloc (09022015). Collection method: clinical testing. Allele origin: germline.
Comment: This sequence change replaces histidine, which is basic and polar, with tyrosine, which is neutral and polar, at codon 1461 of the LAMA4 protein (p.His1461Tyr). This variant is not present in population databases (gnomAD no frequency). This variant has not been reported in the literature in individuals affected with LAMA4-related conditions. ClinVar contains an entry for this variant (Variation ID: 583105). An algorithm developed to predict the effect of missense changes on protein structure and function (PolyPhen-2) suggests that this variant is likely to be disruptive. In summary, the available evidence is currently insufficient to determine the role of this variant in disease. Therefore, it has been classified as a Variant of Uncertain Significance.

NM_001105206.3(LAMA4):c.4402C>T (p.His1468Tyr)

Gene: LAMA4 (laminin subunit alpha 4; minus strand). Cytogenetic location: 6q21.
Variant type: single nucleotide variant.
Coding change: c.4402C>T on transcript NM_001105206.3 (MANE Select); coding-DNA position 4402, C replaced by T.
Protein change: p.His1468Tyr; replaces histidine 1468 with tyrosine.
Molecular consequence: missense variant.
Genome position (GRCh38, 1-based): chr6:112,122,087, G>A on the plus strand (C>T on the coding strand, the complement: LAMA4 is on the minus strand). VCF-style: chr6-112122087-G-A. GRCh37 (hg19) VCF-style: chr6-112443290-G-A.
Other names: c.4381C>T, p.His1461Tyr (NM_001105207.3, NM_002290.5); short protein forms H1461Y, H1468Y.
Identifiers: ClinVar variation 583105 (VCV000583105.10), dbSNP rs1562631261, ClinGen allele CA365371023.
Genomic context (GRCh38, chr6:112,122,087, plus strand): 5'-CTCCTTTTAAGTGTTCAAACTCTTGGCGGCTGTTGGCTGTTCCTCCATATTGATAGGCGT[G>A]CTCTATTGCTCTAGGGCTGTTGGAAAGGTGGCAATGAGAGTTTCTTGGAGTATTCCGCTC-3'
Protein context (NP_001098676.2, residues 1458-1478): HLSNSPRAIE[His1468Tyr]AYQYGGTANS